The following is an entry in ClinVar:

NM_020297.4(ABCC9):c.3018G>A (p.Ser1006=)

Gene: ABCC9 (ATP binding cassette subfamily C member 9; minus strand). Cytogenetic location: 12p12.1.
Variant type: single nucleotide variant.
Coding change: c.3018G>A on transcript NM_020297.4 (MANE Select); coding-DNA position 3018, G replaced by A.
Protein change: p.Ser1006=; no amino-acid change (serine 1006 retained).
Molecular consequence: synonymous variant.
Genome position (GRCh38, 1-based): chr12:21,845,681, C>T on the plus strand (G>A on the coding strand, the complement: ABCC9 is on the minus strand). VCF-style: chr12-21845681-C-T. GRCh37 (hg19) VCF-style: chr12-21998615-C-T.
Other names: p.Ser1006=; c.3018G>A (NM_020297.3); c.3018G>A, p.Ser1006= (NM_001377273.1, NM_005691.4); c.2151G>A, p.Ser717= (NM_001377274.1).
Identifiers: ClinVar variation 518809 (VCV000518809.18), dbSNP rs1030642418, ClinGen allele CA6481228.

ClinVar aggregate classification (germline): Likely benign. Review status: criteria provided, multiple submitters, no conflicts (2 of 4 stars). 5 submissions from 5 submitters: Likely benign (4). 1 of the submissions does not count toward it. Last evaluated 2025-07-02.

Conditions:
ABCC9-related disorder. Also called: ABCC9-related condition; ABCC9-related disorders.
Cardiovascular phenotype. Identifiers: MedGen CN230736.
Dilated cardiomyopathy 1O (CMD1O). Also called: CARDIOMYOPATHY, DILATED, WITH VENTRICULAR TACHYCARDIA. Identifiers: Orphanet 154, MedGen C1837839, MONDO:0012062, OMIM 608569.

Allele frequency attached by ClinVar (database versions not stated): TOPMed 0.00002; gnomAD 0.00003 and 0.00004.
gnomAD v4.1: 24 of 1,613,658 alleles (0.0015%); highest among the groups gnomAD compares: Admixed American, 0.013%; no homozygotes.

Submissions (5):

Labcorp Genetics (formerly Invitae), Labcorp
Classification: Likely benign for Dilated cardiomyopathy 1O. Last evaluated: 2025-07-02. Review status: criteria provided, single submitter. Criteria: Invitae Variant Classification Sherloc (09022015). Collection method: clinical testing. Allele origin: germline.

Women's Health and Genetics/Laboratory Corporation of America, LabCorp
Classification: Likely benign. Last evaluated: 2025-06-07. Review status: criteria provided, single submitter. Criteria: LabCorp Variant Classification Summary - May 2015. Collection method: clinical testing. Allele origin: germline.

Mayo Clinic Laboratories, Mayo Clinic
Classification: Likely benign. Last evaluated: 2024-11-19. Review status: criteria provided, single submitter. Criteria: ACMG Guidelines, 2015. Collection method: clinical testing. Allele origin: germline. Observed: 2 variant alleles.
Comment: BP4, BP7

Ambry Genetics
Classification: Likely benign for Cardiovascular phenotype. Last evaluated: 2016-08-25. Review status: criteria provided, single submitter. Criteria: Ambry Variant Classification Scheme 2023. Collection method: clinical testing. Allele origin: germline.

PreventionGenetics, part of Exact Sciences
Classification: Likely benign for ABCC9-related condition. Last evaluated: 2020-07-15. Review status: no assertion criteria provided. Collection method: clinical testing. Allele origin: germline. Not counted in ClinVar's aggregate classification.
Comment: This variant is classified as likely benign based on ACMG/AMP sequence variant interpretation guidelines (Richards et al. 2015 PMID: 25741868, with internal and published modifications).